The following is an entry in ClinVar:

ClinVar aggregate classification (germline): Pathogenic. Review status: reviewed by expert panel (3 of 4 stars). 6 submissions from 6 submitters: Pathogenic (1). 5 of the submissions do not count toward it. Last evaluated 2025-09-29.

Conditions:
AIPL1-related retinopathy. Also called: AIPL1 retinopathy. Identifiers: MedGen CN305590, MONDO:0100438.
AIPL1-related disorder. Also called: AIPL1-related condition; AIPL1-related disorders. Identifiers: MedGen CN239169.
Leber congenital amaurosis 4 (LCA4). Identifiers: MedGen C1858386, MONDO:0011458, OMIM 604393.

Allele frequency attached by ClinVar (database versions not stated): ExAC 0.00002; gnomAD exomes 0.00003 and 0.00008; TOPMed 0.00005; gnomAD 0.00008 and 0.00009; ESP Exome Variant Server 0.00015.
gnomAD v4.1: 135 of 1,613,758 alleles (0.0084%); highest among the groups gnomAD compares: Non-Finnish European, 0.011%; no homozygotes.

Submissions (6):

ClinGen Leber Congenital Amaurosis/early Onset Retinal Dystrophy Variant Curation Expert Panel, ClinGen
Classification: Pathogenic for AIPL1-related retinopathy. Last evaluated: 2025-09-29. Review status: reviewed by expert panel. Criteria: ClinGen LCAeoRD ACMG Specifications AIPL1 V1.0.0. Collection method: curation. Allele origin: germline. Inheritance: Autosomal recessive inheritance.
Comment: NM_014336.5(AIPL1):c.277-2A>G disrupts a canonical splice site in intron 2 and is predicted to lead to skipping of a critical exon (PVS1). This variant is present in gnomAD v.4.1.0 at a total allele frequency of 0.00008366, with 135 alleles / 1,613,758 total alleles, which is lower than the ClinGen LCA/eoRD VCEP PM2_Supporting threshold of <0.0004 (PM2_Supporting). This variant has been reported in at least 1 proband with early-onset severe retinal dystrophy who was compound heterozygous with the NM_014336.5(AIPL1):c.784G>A (p.Gly262Ser) variant suspected in trans (0.5 points, PMID: 22412862), which was previously classified pathogenic by the ClinGen LCA/eoRD VCEP (0.5 total points, PM3_Supporting). At least one proband harboring this variant exhibits a phenotype including diagnosis of Leber congenital amaurosis (0.5 pts) with onset before the age of 5 years (1 pt), poor vision (1 pt), nystagmus (1 pt), photoattraction (1 pt), moderate pigmentary retinopathy (1 pt), macular atrophy (0.5 pts), optic disc drusen (0.5 pts), white retinal dots, posterior subcapsular cataract (0.5 pts), moderate myopia, and poor pupillary light response (0.5 pts), which together are specific for AIPL1-related retinopathy (total 7.5 points, PMID: 22412862, PP4). In summary, this variant meets the criteria to be classified as pathogenic for AIPL1-related retinopathy based on the ACMG/AMP criteria applied, as specified by the ClinGen LCA/eoRD VCEP: PVS1, PM2_Supporting, PM3_Supporting, and PP4. (VCEP specifications version 1.0.0; date of approval 09/24/2025).

PreventionGenetics, part of Exact Sciences
Classification: Pathogenic for AIPL1-related condition. Last evaluated: 2025-11-19. Review status: criteria provided, single submitter. Criteria: ACMG Guidelines, 2015. Collection method: clinical testing. Allele origin: germline. Not counted in ClinVar's aggregate classification.
Comment: The AIPL1 c.277-2A>G variant is predicted to disrupt the AG splice acceptor site and interfere with normal splicing. This variant has been reported in the compound heterozygous state or along with a second causative AIPL1 variant in individuals with Leber congenital amaurosis or inherited retinal disease, and in two siblings with Leber congenital amaurosis (for example, Sohocki et al. 2000. PubMed ID: 10873396; Table S1, Lin et al. 2024. PubMed ID: 38219857; Supplementary Table S1A, Thompson. 2017. PubMed ID: 29178642). This variant is reported in 0.0078% of alleles in individuals of European (Non-Finnish) descent in gnomAD. Variants that disrupt the consensus splice acceptor site in AIPL1 are expected to be pathogenic. This variant is interpreted as pathogenic.

Labcorp Genetics (formerly Invitae), Labcorp
Classification: Pathogenic for Leber congenital amaurosis 4. Last evaluated: 2025-10-08. Review status: criteria provided, single submitter. Criteria: Invitae Variant Classification Sherloc (09022015). Collection method: clinical testing. Allele origin: germline. Not counted in ClinVar's aggregate classification.
Comment: This sequence change affects an acceptor splice site in intron 2 of the AIPL1 gene. RNA analysis indicates that disruption of this splice site induces altered splicing and likely results in a shortened protein product. This variant is present in population databases (rs140808549, gnomAD 0.009%). Disruption of this splice site has been observed in individuals with clinical features of Leber congenital amaurosis (PMID: 10873396, 22412862, 29178642; internal data). ClinVar contains an entry for this variant (Variation ID: 99798). Studies have shown that disruption of this splice site results in skipping of 3, but is expected to preserve the integrity of the reading-frame (PMID: 26650897). For these reasons, this variant has been classified as Pathogenic.

Blueprint Genetics
Classification: Pathogenic for AIPL1-related disorders. Last evaluated: 2024-11-13. Review status: criteria provided, single submitter. Criteria: ACMG Guidelines, 2015. Collection method: clinical testing. Allele origin: germline. Affected: yes. Observed: 5 variant alleles. Not counted in ClinVar's aggregate classification.

Laboratory of Genetics in Ophthalmology, Institut Imagine
Classification: Pathogenic for Leber congenital amaurosis 4. Review status: no assertion criteria provided. Collection method: research. Allele origin: inherited. Affected: yes. Observed: 1 variant allele. Not counted in ClinVar's aggregate classification.

Retina International
No classification provided. Review status: no classification provided. Collection method: not provided. Allele origin: not provided. Not counted in ClinVar's aggregate classification.

Literature cited by the submitters: PubMed 10873396 (cited by Labcorp Genetics (formerly Invitae), Labcorp and Laboratory of Genetics in Ophthalmology, Institut Imagine); PubMed 22412862 (cited by Labcorp Genetics (formerly Invitae), Labcorp); PubMed 29178642 (cited by Labcorp Genetics (formerly Invitae), Labcorp); PubMed 26650897 (cited by Labcorp Genetics (formerly Invitae), Labcorp).

NM_014336.5(AIPL1):c.277-2A>G

Gene: AIPL1 (AIP like 1 HSP90 co-chaperone; minus strand). Cytogenetic location: 17p13.2.
Variant type: single nucleotide variant.
Coding change: c.277-2A>G on transcript NM_014336.5 (MANE Select); the canonical splice acceptor site of the intron before coding-DNA position 277, A replaced by G.
Molecular consequence: splice acceptor variant. On other transcripts: intron variant (1).
Genome position (GRCh38, 1-based): chr17:6,428,508, T>C on the plus strand (A>G on the coding strand, the complement: AIPL1 is on the minus strand). VCF-style: chr17-6428508-T-C. GRCh37 (hg19) VCF-style: chr17-6331828-T-C.
Other names: c.97-2A>G (NM_001033055.3); c.211-2A>G (NM_001285400.3); c.241-2A>G (NM_001285399.3); c.277-1451A>G (NM_001033054.3); c.277-2A>G (NM_001285401.3, NM_001285403.4); c.160-2A>G (NM_001285402.2).
Identifiers: ClinVar variation 99798 (VCV000099798.13), dbSNP rs140808549, ClinGen allele CA227878.